The following is an entry in ClinVar:

ClinVar aggregate classification (germline): Conflicting classifications of pathogenicity. Review status: criteria provided, conflicting classifications (1 of 4 stars). 5 submissions from 5 submitters: Uncertain significance (4); Likely benign (1). Last evaluated 2025-08-03.

Conditions:
Cardiovascular phenotype. Identifiers: MedGen CN230736.
Myofibrillar myopathy 5. Also called: Filaminopathy (type); FILAMINOPATHY, AUTOSOMAL DOMINANT. Identifiers: Orphanet 171445, MedGen C1836050, MONDO:0012289, OMIM 609524.
Hypertrophic cardiomyopathy 26. Also called: Cardiomyopathy, familial hypertrophic, 26. Identifiers: Orphanet 75249, MedGen C4310749, MONDO:0014883, OMIM 617047.
Distal myopathy with posterior leg and anterior hand involvement. Also called: WILLIAMS DISTAL MYOPATHY. Identifiers: Orphanet 63273, MedGen C3279722, MONDO:0013550, OMIM 614065.

Allele frequency attached by ClinVar (database versions not stated): gnomAD exomes below 0.00001; gnomAD 0.00001; TOPMed 0.00001.

Submissions (5):

Mayo Clinic Laboratories, Mayo Clinic
Classification: Uncertain significance. Last evaluated: 2025-08-03. Review status: criteria provided, single submitter. Criteria: ACMG Guidelines, 2015. Collection method: clinical testing. Allele origin: germline. Observed: 1 variant allele.
Comment: PP3_moderate, PM2_supporting

Labcorp Genetics (formerly Invitae), Labcorp
Classification: Likely benign for Distal myopathy with posterior leg and anterior hand involvement; Myofibrillar myopathy 5; Hypertrophic cardiomyopathy 26. Last evaluated: 2025-01-12. Review status: criteria provided, single submitter. Criteria: Invitae Variant Classification Sherloc (09022015). Collection method: clinical testing. Allele origin: germline.

Ambry Genetics
Classification: Uncertain significance for Cardiovascular phenotype. Last evaluated: 2024-03-04. Review status: criteria provided, single submitter. Criteria: Ambry Variant Classification Scheme 2023. Collection method: clinical testing. Allele origin: germline.
Comment: The p.V1896M variant (also known as c.5686G>A), located in coding exon 35 of the FLNC gene, results from a G to A substitution at nucleotide position 5686. The valine at codon 1896 is replaced by methionine, an amino acid with highly similar properties. This amino acid position is well conserved in available vertebrate species. In addition, this alteration is predicted to be deleterious by in silico analysis. Since supporting evidence is limited at this time, the clinical significance of this alteration remains unclear.

GeneDx
Classification: Uncertain significance. Last evaluated: 2022-03-11. Review status: criteria provided, single submitter. Criteria: GeneDx Variant Classification Process June 2021. Collection method: clinical testing. Allele origin: germline. Affected: yes.
Comment: Has not been previously published as pathogenic or benign to our knowledge; Not observed at significant frequency in large population cohorts (gnomAD); In silico analysis supports that this missense variant does not alter protein structure/function

Blueprint Genetics
Classification: Uncertain significance. Last evaluated: 2018-08-06. Review status: criteria provided, single submitter. Criteria: ACMG Guidelines, 2015. Collection method: clinical testing. Allele origin: germline.

NM_001458.5(FLNC):c.5686G>A (p.Val1896Met)

Genes: FLNC (filamin C; plus strand), FLNC-AS1 (FLNC antisense RNA 1; minus strand). Cytogenetic location: 7q32.1.
Variant type: single nucleotide variant.
Coding change: c.5686G>A on transcript NM_001458.5 (MANE Select); coding-DNA position 5686, G replaced by A.
Protein change: p.Val1896Met; replaces valine 1896 with methionine.
Molecular consequence: missense variant. On other transcripts: non-coding transcript variant (1).
Genome position (GRCh38, 1-based): chr7:128,851,472, G>A. VCF-style: chr7-128851472-G-A. GRCh37 (hg19) VCF-style: chr7-128491526-G-A.
Other names: p.Val1896Met; c.5587G>A, p.Val1863Met (NM_001127487.2); short protein forms V1896M, V1863M.
Identifiers: ClinVar variation 539412 (VCV000539412.13), dbSNP rs891651799, ClinGen allele CA166188974.